The following is an entry in ClinVar:

ClinVar aggregate classification (germline): Uncertain significance. Review status: criteria provided, multiple submitters, no conflicts (2 of 4 stars). 2 submissions from 2 submitters: Uncertain significance (2). Last evaluated 2025-05-02.

Conditions:
Inborn genetic diseases. Identifiers: MedGen C0950123, MeSH D030342.

gnomAD v4.1: 19 of 1,613,666 alleles (0.0012%); highest among the groups gnomAD compares: Non-Finnish European, 0.0015%; no homozygotes.

Submissions (2):

Ambry Genetics
Classification: Uncertain significance for Inborn genetic diseases. Last evaluated: 2025-05-02. Review status: criteria provided, single submitter. Criteria: Ambry Variant Classification Scheme 2023. Collection method: clinical testing. Allele origin: germline.

Labcorp Genetics (formerly Invitae), Labcorp
Classification: Uncertain significance. Last evaluated: 2025-02-23. Review status: criteria provided, single submitter. Criteria: Invitae Variant Classification Sherloc (09022015). Collection method: clinical testing. Allele origin: germline.
Comment: This sequence change replaces leucine, which is neutral and non-polar, with valine, which is neutral and non-polar, at codon 712 of the STAG1 protein (p.Leu712Val). This variant is present in population databases (no rsID available, gnomAD 0.002%). This variant has not been reported in the literature in individuals affected with STAG1-related conditions. ClinVar contains an entry for this variant (Variation ID: 3010608). Invitae Evidence Modeling of protein sequence and biophysical properties (such as structural, functional, and spatial information, amino acid conservation, physicochemical variation, residue mobility, and thermodynamic stability) indicates that this missense variant is not expected to disrupt STAG1 protein function with a negative predictive value of 80%. In summary, the available evidence is currently insufficient to determine the role of this variant in disease. Therefore, it has been classified as a Variant of Uncertain Significance.

NM_005862.3(STAG1):c.2134C>G (p.Leu712Val)

Gene: STAG1 (STAG1 cohesin complex component; minus strand). Cytogenetic location: 3q22.3.
Variant type: single nucleotide variant.
Coding change: c.2134C>G on transcript NM_005862.3 (MANE Select); coding-DNA position 2134, C replaced by G.
Protein change: p.Leu712Val; replaces leucine 712 with valine.
Molecular consequence: missense variant.
Genome position (GRCh38, 1-based): chr3:136,417,947, G>C on the plus strand (C>G on the coding strand, the complement: STAG1 is on the minus strand). VCF-style: chr3-136417947-G-C. GRCh37 (hg19) VCF-style: chr3-136136789-G-C.
Other names: c.2134C>G (NM_005862.2); short protein forms L712V.
Identifiers: ClinVar variation 3010608 (VCV003010608.4), dbSNP rs1021762615, ClinGen allele CA354642920.